The following is an entry in ClinVar:

NM_012470.4(TNPO3):c.2273+221_2273+230del

Gene: TNPO3 (transportin 3; minus strand). Cytogenetic location: 7q32.1.
Variant type: Deletion.
Coding change: c.2273+221_2273+230del on transcript NM_012470.4 (MANE Select); bases 221 to 230 of the intron after coding-DNA position 2273, 10 bases deleted (GGAGGGCTCA; older notation c.2273+221_2273+230delGGAGGGCTCA).
Molecular consequence: intron variant.
Genome position (GRCh38, 1-based): chr7:128,974,638-128,974,647, TGAGCCCTCC deleted on the plus strand (GGAGGGCTCA on the coding strand, the reverse complement: TNPO3 is on the minus strand); deleting any 10 consecutive bases within chr7:128,974,638-128,974,648 gives the same sequence; the c. name uses the placement nearest the transcript's 3' end. VCF-style (leftmost placement, unchanged base first): chr7-128974637-GTGAGCCCTCC-G. GRCh37 (hg19) VCF-style: chr7-128614691-GTGAGCCCTCC-G.
Other names: c.2129+221_2129+230del (NM_001382221.1); c.2126+221_2126+230del (NM_001382222.1); c.2165+221_2165+230del (NM_001382219.1); c.2081+221_2081+230del (NM_001382223.1, NM_001191028.3); c.2132+221_2132+230del (NM_001382220.1); c.2273+221_2273+230del (NM_001382218.1); c.2375+221_2375+230del (NM_001382216.1); c.2354+221_2354+230del (NM_001382217.1).
Identifiers: ClinVar variation 672293 (VCV000672293.1), dbSNP rs11278086, ClinGen allele CA166205000.

ClinVar aggregate classification (germline): Benign (1 of 4 stars; one submission).

Submission:

GeneDx
Classification: Benign. Last evaluated: 2018-06-16. Review status: criteria provided, single submitter. Criteria: GeneDx Variant Classification (06012015). Collection method: clinical testing. Allele origin: germline. Affected: yes.
Comment: This variant is considered likely benign or benign based on one or more of the following criteria: it is a conservative change, it occurs at a poorly conserved position in the protein, it is predicted to be benign by multiple in silico algorithms, and/or has population frequency not consistent with disease.